The following is an entry in ClinVar:

ClinVar aggregate classification (germline): Uncertain significance (0 of 4 stars; one submission).

Conditions:
AKR1C4-related disorder. Also called: AKR1C4-related condition.

Submission:

PreventionGenetics, part of Exact Sciences
Classification: Uncertain significance for AKR1C4-related condition. Last evaluated: 2024-07-10. Review status: no assertion criteria provided. Collection method: clinical testing. Allele origin: germline.
Comment: The AKR1C4 c.48G>A variant is predicted to result in the amino acid substitution p.Met16Ile. To our knowledge, this variant has not been reported in the literature. This variant is reported in 0.013% of alleles in individuals of European (Non-Finnish) descent in gnomAD. This variant is not reported in the ClinVar database. At this time, the clinical significance of this variant is uncertain due to the absence of conclusive functional and genetic evidence.

NM_001818.5(AKR1C4):c.48G>A (p.Met16Ile)

Gene: AKR1C4 (aldo-keto reductase family 1 member C4; plus strand). Cytogenetic location: 10p15.1.
Variant type: single nucleotide variant.
Coding change: c.48G>A on transcript NM_001818.5 (MANE Select); coding-DNA position 48, G replaced by A.
Protein change: p.Met16Ile; replaces methionine 16 with isoleucine.
Molecular consequence: missense variant.
Genome position (GRCh38, 1-based): chr10:5,196,915, G>A. VCF-style: chr10-5196915-G-A. GRCh37 (hg19) VCF-style: chr10-5238878-G-A.
Other names: short protein forms M16I.
Identifiers: ClinVar variation 3351407 (VCV003351407.1).